The following is an entry in ClinVar:

ClinVar aggregate classification (germline): Likely benign (1 of 4 stars; one submission).

Conditions:
FHOD3-related disorder. Also called: FHOD3-related condition.

gnomAD v4.1: 23 of 1,457,090 alleles (0.0016%); highest among the groups gnomAD compares: African/African-American, 0.017%; no homozygotes.

Submission:

PreventionGenetics, part of Exact Sciences
Classification: Likely benign for FHOD3-related condition. Last evaluated: 2026-09-02. Review status: criteria provided, single submitter. Criteria: ACMG Guidelines, 2015. Collection method: clinical testing. Allele origin: germline.
Comment: This variant is classified as likely benign based on ACMG/AMP sequence variant interpretation guidelines (Richards et al. 2015 PMID: 25741868, with internal and published modifications).

NM_001281740.3(FHOD3):c.981C>T (p.Gly327=)

Gene: FHOD3 (formin homology 2 domain containing 3; plus strand). Cytogenetic location: 18q12.2.
Variant type: single nucleotide variant.
Coding change: c.981C>T on transcript NM_001281740.3 (MANE Select); coding-DNA position 981, C replaced by T.
Protein change: p.Gly327=; no amino-acid change (glycine 327 retained).
Molecular consequence: synonymous variant.
Genome position (GRCh38, 1-based): chr18:36,625,534, C>T. VCF-style: chr18-36625534-C-T. GRCh37 (hg19) VCF-style: chr18-34205497-C-T.
Other names: c.981C>T, p.Gly327= (NM_001281739.3, NM_025135.5).
Identifiers: ClinVar variation 4988251 (VCV004988251.1).